The following is an entry in ClinVar:

ClinVar aggregate classification (germline): Conflicting classifications of pathogenicity. Review status: criteria provided, conflicting classifications (1 of 4 stars). 7 submissions from 7 submitters: Uncertain significance (5); Benign (1). 1 of the submissions does not count toward it. Last evaluated 2026-01-27.

Conditions:
Hereditary breast ovarian cancer syndrome. Also called: Hereditary breast and ovarian cancer syndrome; Hereditary breast and ovarian cancer syndrome (HBOC); BRCA1- and BRCA2-Associated Hereditary Breast and Ovarian Cancer; Breast and ovarian cancer; Hereditary breast and ovarian cancer; Hereditary breast and/or ovarian cancer syndrome. Identifiers: Orphanet 145, MedGen C0677776, MeSH D061325, MONDO:0003582. Disease mechanism: loss of function.
Breast-ovarian cancer, familial, susceptibility to, 1 (BROVCA1). Also called: OVARIAN CANCER, SUSCEPTIBILITY TO; BRCA1 Hereditary Breast and Ovarian Cancer. Identifiers: Orphanet 145, MedGen C2676676, MONDO:0011450, OMIM 604370. Disease mechanism: loss of function.
Hereditary cancer-predisposing syndrome. Also called: Hereditary Cancer Syndrome; Hereditary neoplastic syndrome; Tumor predisposition; Neoplastic Syndromes, Hereditary. Identifiers: Orphanet 140162, MedGen C0027672, MeSH D009386, MONDO:0015356.

Allele frequency attached by ClinVar (database versions not stated): gnomAD exomes below 0.00001; gnomAD 0.00001; TOPMed 0.00002.
gnomAD v4.1: 3 of 1,612,820 alleles (0.00019%); highest among the groups gnomAD compares: Non-Finnish European, 0.00025%; no homozygotes.

Submissions (7):

Labcorp Genetics (formerly Invitae), Labcorp
Classification: Benign for Hereditary breast ovarian cancer syndrome. Last evaluated: 2026-01-27. Review status: criteria provided, single submitter. Criteria: Invitae Variant Classification Sherloc (09022015). Collection method: clinical testing. Allele origin: germline.

Quest Diagnostics Nichols Institute San Juan Capistrano
Classification: Uncertain significance. Last evaluated: 2025-09-10. Review status: criteria provided, single submitter. Criteria: Quest Diagnostics criteria. Collection method: clinical testing. Allele origin: unknown.
Comment: The BRCA1 c.4144T>A (p.Cys1382Ser) variant has been reported in the published literature in individuals with breast and/or ovarian cancer (PMID: 30702160 (2019)) or other hereditary cancers (PMID: 31853058 (2020)). A functional study using a multiplex homology-directed repair assay suggested that this variant does not affect function (PMID: 37917606 (2023)). In addition, the variant has been reported as functionally neutral based on published computational analysis (PMIDs: 29884841 (2019) and 32377563 (2020)). It has also been described to be located in a region of the BRCA2 gene that is tolerant to missense sequence changes (PMID: 31911673 (2020)). The frequency of this variant in the general population (Genome Aggregation Database) is uninformative in the assessment of its pathogenicity. Analysis of this variant using bioinformatics tools for the prediction of the effect of amino acid changes on protein structure and function yielded predictions that this variant is benign. Based on the available information, we are unable to determine the clinical significance of this variant.

Ambry Genetics
Classification: Uncertain significance for Hereditary cancer-predisposing syndrome. Last evaluated: 2025-04-07. Review status: criteria provided, single submitter. Criteria: Ambry Variant Classification Scheme 2023. Collection method: clinical testing. Allele origin: germline.
Comment: The p.C1382S variant (also known as c.4144T>A), located in coding exon 10 of the BRCA1 gene, results from a T to A substitution at nucleotide position 4144. The cysteine at codon 1382 is replaced by serine, an amino acid with dissimilar properties. This amino acid position is not well conserved in available vertebrate species. In addition, the in silico prediction for this alteration is inconclusive. Based on the available evidence, the clinical significance of this variant remains unclear.

Color Diagnostics, LLC DBA Color Health
Classification: Uncertain significance for Hereditary cancer-predisposing syndrome. Last evaluated: 2024-10-15. Review status: criteria provided, single submitter. Criteria: ACMG Guidelines, 2015. Collection method: clinical testing. Allele origin: germline.
Comment: This missense variant replaces cysteine with serine at codon 1382 of the BRCA1 protein. Computational prediction is inconclusive regarding the impact of this variant on protein structure and function. To our knowledge, functional studies have not been reported for this variant. A multifactorial analysis has reported a likelihood ratio for pathogenicity based on personal and family history of 0.561 from log(LR)=-0.250682145 for two carriers (PMID: 31853058). This variant has not been identified in the general population by the Genome Aggregation Database (gnomAD). The available evidence is insufficient to determine the role of this variant in disease conclusively. Therefore, this variant is classified as a Variant of Uncertain Significance.

GeneDx
Classification: Uncertain significance. Last evaluated: 2023-06-06. Review status: criteria provided, single submitter. Criteria: GeneDx Variant Classification Process June 2021. Collection method: clinical testing. Allele origin: germline. Affected: yes.
Comment: Observed in individuals with a personal and/or family history of breast or ovarian cancer (Li et al., 2020); In silico analysis supports that this missense variant does not alter protein structure/function; Not observed at significant frequency in large population cohorts (gnomAD); Also known as 4263T>A; This variant is associated with the following publications: (PMID: 15343273, 22737296, 31853058, 29884841, 32377563)

Women's Health and Genetics/Laboratory Corporation of America, LabCorp
Classification: Uncertain significance. Last evaluated: 2020-10-02. Review status: criteria provided, single submitter. Criteria: LabCorp Variant Classification Summary - May 2015. Collection method: clinical testing. Allele origin: germline.
Comment: Variant summary: BRCA1 c.4144T>A (p.Cys1382Ser) results in a non-conservative amino acid change in the encoded protein sequence. Four of five in-silico tools predict a benign effect of the variant on protein function. The variant was absent in 248982 control chromosomes. The available data on variant occurrences in the general population are insufficient to allow any conclusion about variant significance. To our knowledge, no occurrence of c.4144T>A in individuals affected with Hereditary Breast And Ovarian Cancer Syndrome and no experimental evidence demonstrating its impact on protein function have been reported. Three clinical diagnostic laboratories have submitted clinical-significance assessments for this variant to ClinVar after 2014 without evidence for independent evaluation. All laboratories classified the variant as uncertain significance. Based on the evidence outlined above, the variant was classified as uncertain significance.

Department of Pathology and Laboratory Medicine, Sinai Health System
Classification: Uncertain significance for Breast-ovarian cancer, familial, susceptibility to, 1. Review status: no assertion criteria provided. Collection method: clinical testing. Allele origin: unknown. Affected: yes. Study: The Canadian Open Genetics Repository (COGR). Not counted in ClinVar's aggregate classification.
Comment: The BRCA1 p.Cys1382Ser variant was not identified in the literature nor was it identified in the dbSNP, NHLBI Exome Sequencing Project (Exome Variant Server), HGMD, LOVD, COSMIC, UMD, ClinVar, or BIC databases. The p.Cys1382 residue is not conserved in mammals and the variant amino acid serine (Ser) is present in chicken, African clawed frog, and purple sea urchin, increasing the likelihood that this variant does not have clinical significance. In addition, four out of five computational analyses (PolyPhen-2, SIFT, AlignGVGD, BLOSUM, MutationTaster) do not suggest a high likelihood of impact to the protein. The variant occurs outside of the splicing consensus sequence and one out of five in silico or computational prediction software programs (SpliceSiteFinder, MaxEntScan, NNSPLICE, GeneSplicer, HumanSpliceFinder) predict a greater than 10% difference in splicing; this is not very predictive of pathogenicity. In summary, based on the above information, the clinical significance of this variant cannot be determined with certainty at this time. This variant is classified as a variant of unknown significance.

Literature cited by the submitters: PubMed 31911673 (cited by Quest Diagnostics Nichols Institute San Juan Capistrano); PubMed 32377563 (cited by Quest Diagnostics Nichols Institute San Juan Capistrano); PubMed 31853058 (cited by Quest Diagnostics Nichols Institute San Juan Capistrano and Color Diagnostics, LLC DBA Color Health); PubMed 30702160 (cited by Quest Diagnostics Nichols Institute San Juan Capistrano); PubMed 33087888 (cited by Quest Diagnostics Nichols Institute San Juan Capistrano); PubMed 29884841 (cited by Quest Diagnostics Nichols Institute San Juan Capistrano); PubMed 37917606 (cited by Quest Diagnostics Nichols Institute San Juan Capistrano).

NM_007294.4(BRCA1):c.4144T>A (p.Cys1382Ser)

Gene: BRCA1 (BRCA1 DNA repair associated; minus strand). Cytogenetic location: 17q21.31.
Variant type: single nucleotide variant.
Coding change: c.4144T>A on transcript NM_007294.4 (MANE Select); coding-DNA position 4144, T replaced by A.
Protein change: p.Cys1382Ser; replaces cysteine 1382 with serine.
Molecular consequence: missense variant. On other transcripts: non-coding transcript variant (1).
Genome position (GRCh38, 1-based): chr17:43,090,985, A>T on the plus strand (T>A on the coding strand, the complement: BRCA1 is on the minus strand). VCF-style: chr17-43090985-A-T. GRCh37 (hg19) VCF-style: chr17-41243002-A-T.
Other names: c.3931T>A, p.Cys1311Ser (NM_001407571.1, NM_001407853.1, NM_001407894.1 and 9 more transcripts); c.4144T>A, p.Cys1382Ser (NM_001407581.1, NM_001407582.1, NM_001407583.1 and 30 more transcripts); c.4141T>A, p.Cys1381Ser (NM_001407587.1, NM_001407590.1, NM_001407591.1 and 22 more transcripts); c.4135T>A, p.Cys1379Ser (NM_001407646.1, NM_001407647.1); c.4021T>A, p.Cys1341Ser (NM_001407648.1, NM_001407664.1, NM_001407665.1 and 19 more transcripts); c.4018T>A, p.Cys1340Ser (NM_001407649.1, NM_001407670.1, NM_001407671.1 and 11 more transcripts); c.4066T>A, p.Cys1356Ser (NM_001407653.1, NM_001407654.1, NM_001407655.1 and 4 more transcripts); c.4003T>A, p.Cys1335Ser (NM_001407728.1, NM_001407729.1, NM_001407730.1 and 29 more transcripts); and 41 more; short protein forms C1382S, C1335S, C279S, C111S, C1271S, C1293S, C1334S, C1340S.
Identifiers: ClinVar variation 185348 (VCV000185348.32), dbSNP rs786202106, ClinGen allele CA002655.